The following is an entry in ClinVar:

ClinVar aggregate classification (germline): Uncertain significance (1 of 4 stars; one submission).

Submission:

Labcorp Genetics (formerly Invitae), Labcorp
Classification: Uncertain significance. Last evaluated: 2023-11-07. Review status: criteria provided, single submitter. Criteria: Invitae Variant Classification Sherloc (09022015). Collection method: clinical testing. Allele origin: unknown.
Comment: This variant results in a copy number gain of the genomic region encompassing exon(s) 1-36 of the SBF1 gene. This region includes the initiator codon of the gene. This copy number gain extends beyond the assayed region for this gene and therefore may encompass additional genes. As the precise location of this event is unknown, it may be in tandem or it may be located elsewhere in the genome. This variant has not been reported in the literature in individuals affected with SBF1-related conditions. In summary, the available evidence is currently insufficient to determine the role of this variant in disease. Therefore, it has been classified as a Variant of Uncertain Significance.

NC_000022.10:g.(?_50892921)_(50913269_?)dup

Gene: SBF1 (SET binding factor 1; minus strand). Cytogenetic location: 22q13.33.
Variant type: Duplication.
Identifiers: ClinVar variation 3248100 (VCV003248100.1).